The following is an entry in ClinVar:

NM_000081.4(LYST):c.8593G>A (p.Val2865Ile)

Gene: LYST (lysosomal trafficking regulator; minus strand). Cytogenetic location: 1q42.3.
Variant type: single nucleotide variant.
Coding change: c.8593G>A on transcript NM_000081.4 (MANE Select); coding-DNA position 8593, G replaced by A.
Protein change: p.Val2865Ile; replaces valine 2865 with isoleucine.
Molecular consequence: missense variant.
Genome position (GRCh38, 1-based): chr1:235,733,849, C>T on the plus strand (G>A on the coding strand, the complement: LYST is on the minus strand). VCF-style: chr1-235733849-C-T. GRCh37 (hg19) VCF-style: chr1-235897149-C-T.
Other names: c.8593G>A, p.Val2865Ile (NM_001301365.1); short protein forms V2865I.
Identifiers: ClinVar variation 1426129 (VCV001426129.3), dbSNP rs780128541, ClinGen allele CA1465817.

ClinVar aggregate classification (germline): Uncertain significance (1 of 4 stars; one submission).

Conditions:
Chédiak-Higashi syndrome (CHS). Also called: Chediak-Higashi Syndrome. Identifiers: Orphanet 167, MedGen C0007965, MONDO:0008963, OMIM 214500.

Allele frequency attached by ClinVar (database versions not stated): ExAC 0.00001; gnomAD exomes 0.00001; gnomAD 0.00002; TOPMed 0.00002.
gnomAD v4.1: 11 of 1,602,936 alleles (0.00069%); highest among the groups gnomAD compares: Admixed American, 0.0017%; no homozygotes.

Submission:

Labcorp Genetics (formerly Invitae), Labcorp
Classification: Uncertain significance for Chédiak-Higashi syndrome. Last evaluated: 2022-01-14. Review status: criteria provided, single submitter. Criteria: Invitae Variant Classification Sherloc (09022015). Collection method: clinical testing. Allele origin: germline.
Comment: This sequence change replaces valine, which is neutral and non-polar, with isoleucine, which is neutral and non-polar, at codon 2865 of the LYST protein (p.Val2865Ile). This variant is present in population databases (rs780128541, gnomAD 0.003%). This variant has not been reported in the literature in individuals affected with LYST-related conditions. Algorithms developed to predict the effect of missense changes on protein structure and function (SIFT, PolyPhen-2, Align-GVGD) all suggest that this variant is likely to be tolerated. In summary, the available evidence is currently insufficient to determine the role of this variant in disease. Therefore, it has been classified as a Variant of Uncertain Significance.